The following is an entry in ClinVar:

NM_001377540.1(SLMAP):c.1946G>A (p.Ser649Asn)

Gene: SLMAP (sarcolemma associated protein; plus strand). Cytogenetic location: 3p14.3.
Variant type: single nucleotide variant.
Coding change: c.1946G>A on transcript NM_001377540.1 (MANE Select); coding-DNA position 1946, G replaced by A.
Protein change: p.Ser649Asn; replaces serine 649 with asparagine.
Molecular consequence: missense variant. On other transcripts: non-coding transcript variant (1).
Genome position (GRCh38, 1-based): chr3:57,912,627, G>A. VCF-style: chr3-57912627-G-A. GRCh37 (hg19) VCF-style: chr3-57898354-G-A.
Other names: c.1895G>A, p.Ser632Asn (NM_001304420.3, NM_001377541.1, NM_001377542.1); c.1781G>A, p.Ser594Asn (NM_001304421.2, NM_001377557.1, NM_001377559.1); c.497G>A, p.Ser166Asn (NM_001304422.3, NM_001311178.2); c.299G>A, p.Ser100Asn (NM_001304423.3); c.1832G>A, p.Ser611Asn (NM_001377552.1, NM_001377551.1); c.1823G>A, p.Ser608Asn (NM_001377555.1); c.1772G>A, p.Ser591Asn (NM_001377562.1, NM_001377921.1); c.1760G>A, p.Ser587Asn (NM_001377922.1); and 8 more; short protein forms S125N, S594N, S611N, S615N, S632N, S100N, S166N, S553N.
Identifiers: ClinVar variation 4169926 (VCV004169926.1).

ClinVar aggregate classification (germline): Uncertain significance (1 of 4 stars; one submission).

gnomAD v4.1: 1 of 1,614,106 alleles (0.000062%); highest among the groups gnomAD compares: Non-Finnish European, 0.000085%; no homozygotes.

Submission:

Ambry Genetics
Classification: Uncertain significance. Last evaluated: 2025-06-28. Review status: criteria provided, single submitter. Criteria: Ambry Variant Classification Scheme 2023. Collection method: clinical testing. Allele origin: germline.
Comment: The p.S615N variant (also known as c.1844G>A), located in coding exon 17 of the SLMAP gene, results from a G to A substitution at nucleotide position 1844. The serine at codon 615 is replaced by asparagine, an amino acid with highly similar properties. This amino acid position is conserved. In addition, this alteration is predicted to be tolerated by in silico analysis. Based on the available evidence, the clinical significance of this variant remains unclear.